The following is an entry in ClinVar:

NM_182925.5(FLT4):c.89del (p.Pro30fs)

Gene: FLT4 (fms related receptor tyrosine kinase 4; minus strand). Cytogenetic location: 5q35.3.
Variant type: Deletion.
Coding change: c.89del on transcript NM_182925.5 (MANE Select); coding-DNA position 89, one base deleted (C; older notation c.89delC).
Protein change: p.Pro30fs; shifts the reading frame from proline 30.
Molecular consequence: frameshift variant.
Genome position (GRCh38, 1-based): chr5:180,631,748, G deleted on the plus strand (C on the coding strand, the reverse complement: FLT4 is on the minus strand); the first of 7 consecutive G bases (chr5:180,631,748-180,631,754); deleting any one gives the same sequence. VCF-style (leftmost placement, unchanged base first): chr5-180631747-CG-C. GRCh37 (hg19) VCF-style: chr5-180058747-CG-C.
Other names: c.89del, p.Pro30fs (NM_001354989.2, NM_002020.5); c.89delC (NM_182925.4); short protein forms P30fs.
Identifiers: ClinVar variation 812612 (VCV000812612.4), dbSNP rs755445139, ClinGen allele CA448112187.

ClinVar aggregate classification (germline): Pathogenic. Review status: criteria provided, single submitter (1 of 4 stars). 2 submissions from 2 submitters: Pathogenic (1). 1 of the submissions does not count toward it. Last evaluated 2020-06-10.

Conditions:
Congenital heart defects, multiple types, 7. Identifiers: MedGen C5394062, MONDO:0032913, OMIM 618780.

Submissions (2):

GeneDx
Classification: Pathogenic. Last evaluated: 2020-06-10. Review status: criteria provided, single submitter. Criteria: GeneDx Variant Classification Process June 2021. Collection method: clinical testing. Allele origin: germline. Affected: yes.
Comment: Frameshift variant predicted to result in protein truncation or nonsense mediated decay in a gene for which loss-of-function is a known mechanism of disease; This variant is associated with the following publications: (PMID: 28991257, 26785492, 30232381, 28191890)

OMIM
Classification: Pathogenic for CONGENITAL HEART DEFECTS, MULTIPLE TYPES, 7. Last evaluated: 2020-02-18. Review status: no assertion criteria provided. Collection method: literature only. Allele origin: germline. Not counted in ClinVar's aggregate classification.

Literature cited by the submitters: PubMed 28991257 (cited by OMIM); PubMed 30232381 (cited by OMIM).